The following is an entry in ClinVar:

ClinVar aggregate classification (germline): Pathogenic (1 of 4 stars; one submission).

Submission:

Athena Diagnostics
Classification: Pathogenic. Last evaluated: 2024-05-21. Review status: criteria provided, single submitter. Criteria: Athena Diagnostics Criteria. Collection method: clinical testing. Allele origin: unknown.
Comment: This variant is expected to result in the loss of a functional protein. This variant has not been reported in large, multi-ethnic general populations. This variant has been identified in at least one individual tested at Athena Diagnostics with clinical features associated with this gene.

NM_001127222.2(CACNA1A):c.5348del (p.Asn1783fs)

Gene: CACNA1A (calcium voltage-gated channel subunit alpha1 A; minus strand). Cytogenetic location: 19p13.13.
Variant type: Deletion.
Coding change: c.5348del on transcript NM_001127222.2 (MANE Select); coding-DNA position 5348, one base deleted (A; older notation c.5348delA).
Protein change: p.Asn1783fs; shifts the reading frame from asparagine 1783.
Molecular consequence: frameshift variant.
Genome position (GRCh38, 1-based): chr19:13,231,762, T deleted on the plus strand (A on the coding strand, the reverse complement: CACNA1A is on the minus strand); the first of 2 consecutive T bases (chr19:13,231,762-13,231,763); deleting either gives the same sequence. VCF-style (leftmost placement, unchanged base first): chr19-13231761-AT-A. GRCh37 (hg19) VCF-style: chr19-13342575-AT-A.
Other names: c.5366del, p.Asn1789fs (NM_000068.4, NM_023035.3); c.5351del, p.Asn1784fs (NM_001127221.2); c.5357del, p.Asn1786fs (NM_001174080.2); short protein forms N1784fs, N1783fs, N1789fs, N1786fs.
Identifiers: ClinVar variation 3571968 (VCV003571968.1).